The following is an entry in ClinVar:

NM_201384.3(PLEC):c.4073A>G (p.Glu1358Gly)

Gene: PLEC (plectin; minus strand). Cytogenetic location: 8q24.3.
Variant type: single nucleotide variant.
Coding change: c.4073A>G on transcript NM_201384.3 (MANE Select); coding-DNA position 4073, A replaced by G.
Protein change: p.Glu1358Gly; replaces glutamic acid 1358 with glycine.
Molecular consequence: missense variant. On other transcripts: intron variant (1).
Genome position (GRCh38, 1-based): chr8:143,925,856, T>C on the plus strand (A>G on the coding strand, the complement: PLEC is on the minus strand). VCF-style: chr8-143925856-T-C. GRCh37 (hg19) VCF-style: chr8-145000024-T-C.
Other names: c.4154A>G, p.Glu1385Gly (NM_000445.5); c.4031A>G, p.Glu1344Gly (NM_201378.4); c.4007A>G, p.Glu1336Gly (NM_201379.3); c.4484A>G, p.Glu1495Gly (NM_201380.4); c.3977A>G, p.Glu1326Gly (NM_201381.3); c.4073A>G, p.Glu1358Gly (NM_201382.4); c.4085A>G, p.Glu1362Gly (NM_201383.3); c.4125+928A>G (NM_001410941.1); short protein forms E1336G, E1358G, E1362G, E1326G, E1344G, E1385G, E1495G.
Identifiers: ClinVar variation 2940252 (VCV002940252.3), dbSNP rs1554704386, ClinGen allele CA372561499.

ClinVar aggregate classification (germline): Uncertain significance (1 of 4 stars; one submission).

Conditions:
Epidermolysis bullosa simplex with nail dystrophy (EBS5D). Identifiers: MedGen C4225309, MONDO:0014661, OMIM 616487.
Epidermolysis bullosa simplex, Ogna type (EBS5A). Also called: Pidermolysis bullosa simplex 5A, Ogna type; EPIDERMOLYSIS BULLOSA SIMPLEX 5A, OGNA TYPE. Identifiers: Orphanet 79401, MedGen C0432317, MONDO:0007555, OMIM 131950.
Autosomal recessive limb-girdle muscular dystrophy type 2Q (LGMDR17). Also called: MUSCULAR DYSTROPHY, LIMB-GIRDLE, AUTOSOMAL RECESSIVE 17. Identifiers: Orphanet 254361, MedGen C3150989, MONDO:0013390, OMIM 613723.
Epidermolysis bullosa simplex 5B, with muscular dystrophy (EBS5B). Also called: EPIDERMOLYSIS BULLOSA SIMPLEX AND LIMB-GIRDLE MUSCULAR DYSTROPHY; Epidermolysis bullosa simplex with muscular dystrophy. Identifiers: Orphanet 257, MedGen C2931072, MONDO:0009181, OMIM 226670.
Epidermolysis bullosa simplex 5C, with pyloric atresia (EBS5C). Also called: PLEC-Related Epidermolysis Bullosa with Pyloric Atresia; Epidermolysis bullosa simplex with pyloric atresia; PLEC1-Related Epidermolysis Bullosa with Pyloric Atresia. Identifiers: Orphanet 158684, MedGen C2677349, MONDO:0012807, OMIM 612138.

Submission:

Labcorp Genetics (formerly Invitae), Labcorp
Classification: Uncertain significance for Autosomal recessive limb-girdle muscular dystrophy type 2Q; Epidermolysis bullosa simplex, Ogna type; Epidermolysis bullosa simplex with nail dystrophy; Epidermolysis bullosa simplex 5C, with pyloric atresia; Epidermolysis bullosa simplex 5B, with muscular dystrophy. Last evaluated: 2023-11-14. Review status: criteria provided, single submitter. Criteria: Invitae Variant Classification Sherloc (09022015). Collection method: clinical testing. Allele origin: germline.
Comment: This sequence change replaces glutamic acid, which is acidic and polar, with glycine, which is neutral and non-polar, at codon 1385 of the PLEC protein (p.Glu1385Gly). This variant is not present in population databases (gnomAD no frequency). This variant has not been reported in the literature in individuals affected with PLEC-related conditions. Advanced modeling of protein sequence and biophysical properties (such as structural, functional, and spatial information, amino acid conservation, physicochemical variation, residue mobility, and thermodynamic stability) performed at Invitae indicates that this missense variant is expected to disrupt PLEC protein function with a positive predictive value of 80%. In summary, the available evidence is currently insufficient to determine the role of this variant in disease. Therefore, it has been classified as a Variant of Uncertain Significance.